The following is an entry in ClinVar:

ClinVar aggregate classification (germline): Benign. Review status: criteria provided, multiple submitters, no conflicts (2 of 4 stars). 5 submissions from 4 submitters: Benign (5). Last evaluated 2026-02-01.

Conditions:
Metaphyseal anadysplasia. Also called: Early-onset regressive form of metaphyseal dysplasia. Identifiers: Orphanet 1040, MedGen C0432226, MONDO:0015177.
Spondyloepimetaphyseal dysplasia, Missouri type. Identifiers: Orphanet 1040, Orphanet 93356, MedGen C1865832, MONDO:0011198, OMIM 602111.

Allele frequency attached by ClinVar (database versions not stated): 1000 Genomes Project 30x 0.03045; 1000 Genomes Project 0.03055; gnomAD 0.03114 and 0.03204; TOPMed 0.03205; ExAC 0.03588; ESP Exome Variant Server 0.03599; gnomAD exomes 0.03621 and 0.04341.
gnomAD v4.1: 67,716 of 1,594,734 alleles (4.2%); highest among the groups gnomAD compares: South Asian, 5.4%; 1,597 homozygotes.

Submissions (9):

Labcorp Genetics (formerly Invitae), Labcorp
Classification: Benign. Last evaluated: 2026-02-01. Review status: criteria provided, single submitter. Criteria: Invitae Variant Classification Sherloc (09022015). Collection method: clinical testing. Allele origin: germline.

GeneDx
Classification: Benign. Last evaluated: 2019-04-12. Review status: criteria provided, single submitter. Criteria: GeneDx Variant Classification Process June 2021. Collection method: clinical testing. Allele origin: germline. Affected: yes.

Illumina Laboratory Services, Illumina
Classification: Benign for Metaphyseal anadysplasia. Last evaluated: 2018-01-12. Review status: criteria provided, single submitter. Criteria: ICSL Variant Classification Criteria 13 December 2019. Collection method: clinical testing. Allele origin: germline.
Comment: This variant was observed in the ICSL laboratory as part of a predisposition screen in an ostensibly healthy population. It had not been previously curated by ICSL or reported in the Human Gene Mutation Database (HGMD: prior to June 1st, 2018), and was therefore a candidate for classification through an automated scoring system. Utilizing variant allele frequency, disease prevalence and penetrance estimates, and inheritance mode, an automated score was calculated to assess if this variant is too frequent to cause the disease. Based on the score and internal cut-off values, a variant classified as benign is not then subjected to further curation. The score for this variant resulted in a classification of benign for this disease.

Illumina Laboratory Services, Illumina
Classification: Benign for Spondyloepimetaphyseal dysplasia, Missouri type. Last evaluated: 2018-01-12. Review status: criteria provided, single submitter. Criteria: ICSL Variant Classification Criteria 13 December 2019. Collection method: clinical testing. Allele origin: germline.
Comment: the same text as in the submission from Illumina Laboratory Services, Illumina above.

Breakthrough Genomics
Classification: Benign. Review status: criteria provided, single submitter. Criteria: ACMG Guidelines, 2015. Collection method: not provided. Allele origin: germline. Inheritance: Autosomal recessive inheritance. Affected: yes.

Dr. Peter K. Rogan Lab, Western University
No classification provided (evidence only). Condition: Cervical cancer. Review status: no classification provided. Collection method: in vitro. Allele origin: not applicable. Functional consequence: retained intron. Not counted in ClinVar's aggregate classification.

Dr. Peter K. Rogan Lab, Western University
No classification provided (evidence only). Condition: Cervical cancer. Review status: no classification provided. Collection method: in vitro. Allele origin: not applicable. Functional consequence: retained intron. Not counted in ClinVar's aggregate classification.

Dr. Peter K. Rogan Lab, Western University
No classification provided (evidence only). Condition: Malignant lymphoma, large B-cell, diffuse. Review status: no classification provided. Collection method: in vitro. Allele origin: not applicable. Functional consequence: retained intron. Not counted in ClinVar's aggregate classification.

Dr. Peter K. Rogan Lab, Western University
No classification provided (evidence only). Condition: Thymoma. Review status: no classification provided. Collection method: in vitro. Allele origin: not applicable. Functional consequence: retained intron. Not counted in ClinVar's aggregate classification.

NM_002427.4(MMP13):c.800-9C>T

Gene: MMP13 (matrix metallopeptidase 13; minus strand). Cytogenetic location: 11q22.2.
Variant type: single nucleotide variant.
Coding change: c.800-9C>T on transcript NM_002427.4 (MANE Select); 9 bases into the intron before coding-DNA position 800, C replaced by T.
Molecular consequence: intron variant.
Genome position (GRCh38, 1-based): chr11:102,950,236, G>A on the plus strand (C>T on the coding strand, the complement: MMP13 is on the minus strand). VCF-style: chr11-102950236-G-A. GRCh37 (hg19) VCF-style: chr11-102820965-G-A.
Identifiers: ClinVar variation 301984 (VCV000301984.18), dbSNP rs17860556, ClinGen allele CA6251879.
Genomic context (GRCh38, chr11:102,950,236, plus strand): 5'-CATTTGTCTGGCGTTTTTGGATGTTTAGGGTTGGGGTCTTCATCTCCTGGACCTGTAGTC[G>A]TGAAAGGCAAGAGAGAAGTTATGAGTGTGACATTACTGATAACCTGAGTCACAGTACAAC-3'